The following is an entry in ClinVar:

ClinVar aggregate classification (germline): Uncertain significance (1 of 4 stars; one submission).

Conditions:
Arrhythmogenic cardiomyopathy with wooly hair and keratoderma. Also called: Dilated cardiomyopathy with woolly hair and keratoderma; PALMOPLANTAR KERATODERMA WITH LEFT VENTRICULAR CARDIOMYOPATHY AND WOOLLY HAIR; Carvajal syndrome; Arrhythmogenic cardiomyopathy with woolly hair and keratoderma. Identifiers: Orphanet 65282, MedGen C1854063, MONDO:0011581, OMIM 605676.
Arrhythmogenic right ventricular dysplasia 8 (ARVD8). Also called: Arrhythmogenic Right Ventricular Dysplasia/Cardiomyopathy 8; ARRHYTHMOGENIC RIGHT VENTRICULAR DYSPLASIA, FAMILIAL, 8; ARRHYTHMOGENIC RIGHT VENTRICULAR CARDIOMYOPATHY 8. Identifiers: MedGen C1843896, MONDO:0011831, OMIM 607450.

Submission:

Labcorp Genetics (formerly Invitae), Labcorp
Classification: Uncertain significance for Arrhythmogenic cardiomyopathy with wooly hair and keratoderma; Arrhythmogenic right ventricular dysplasia 8. Last evaluated: 2023-03-24. Review status: criteria provided, single submitter. Criteria: Invitae Variant Classification Sherloc (09022015). Collection method: clinical testing. Allele origin: germline.
Comment: In summary, the available evidence is currently insufficient to determine the role of this variant in disease. Therefore, it has been classified as a Variant of Uncertain Significance. An algorithm developed to predict the effect of missense changes on protein structure and function (PolyPhen-2) suggests that this variant is likely to be disruptive. This variant has not been reported in the literature in individuals affected with DSP-related conditions. This variant is not present in population databases (gnomAD no frequency). This sequence change replaces serine, which is neutral and polar, with proline, which is neutral and non-polar, at codon 2632 of the DSP protein (p.Ser2632Pro).

NM_004415.4(DSP):c.7894T>C (p.Ser2632Pro)

Gene: DSP (desmoplakin; plus strand). Cytogenetic location: 6p24.3.
Variant type: single nucleotide variant.
Coding change: c.7894T>C on transcript NM_004415.4 (MANE Select); coding-DNA position 7894, T replaced by C.
Protein change: p.Ser2632Pro; replaces serine 2632 with proline.
Molecular consequence: missense variant.
Genome position (GRCh38, 1-based): chr6:7,585,156, T>C. VCF-style: chr6-7585156-T-C. GRCh37 (hg19) VCF-style: chr6-7585389-T-C.
Other names: c.6097T>C, p.Ser2033Pro (NM_001008844.3); c.6565T>C, p.Ser2189Pro (NM_001319034.2); short protein forms S2632P, S2033P, S2189P.
Identifiers: ClinVar variation 2945721 (VCV002945721.3), dbSNP rs2533948511, ClinGen allele CA362694011.